The following is an entry in ClinVar:

NM_052874.5(STX1B):c.716C>T (p.Ser239Phe)

Gene: STX1B (syntaxin 1B; minus strand). Cytogenetic location: 16p11.2.
Variant type: single nucleotide variant.
Coding change: c.716C>T on transcript NM_052874.5 (MANE Select); coding-DNA position 716, C replaced by T.
Protein change: p.Ser239Phe; replaces serine 239 with phenylalanine.
Molecular consequence: missense variant.
Genome position (GRCh38, 1-based): chr16:30,993,200, G>A on the plus strand (C>T on the coding strand, the complement: STX1B is on the minus strand). VCF-style: chr16-30993200-G-A. GRCh37 (hg19) VCF-style: chr16-31004521-G-A.
Other names: NP_443106.1:p.(Ser239Phe); short protein forms S239F.
Identifiers: ClinVar variation 1344576 (VCV001344576.2), dbSNP rs2143661479, ClinGen allele CA395646860.

ClinVar aggregate classification (germline): Likely pathogenic (1 of 4 stars; one submission).

Conditions:
Epileptic encephalopathy. Identifiers: MedGen C0543888, HP:0200134.

Submission:

Unidad de Genómica Garrahan, Hospital de Pediatría Garrahan
Classification: Likely pathogenic for Epileptic encephalopathy. Last evaluated: 2022-03-03. Review status: criteria provided, single submitter. Criteria: ACMG Guidelines, 2015. Collection method: clinical testing. Allele origin: de novo. Affected: yes. Observed: 1 variant allele.
Comment: This sequence change replaces serine with phenylalanine at codon 239 of the STX1B protein (p.Ser239Phe), in exon 9. The serine residue is highly conserved (PhastCons) and there is a large physicochemical difference between serine and phenylalanine. This variant is not present in population databases (Genome Aggregation Database). This variant has not been reported previously in the literature as a pathogenic variant, nor as a benign variant, to our knowledge. The variant is located in the SNARE motif, which is a well-established functionally relevant domain of the syntaxin-1B protein. Algorithms developed to predict the effect of missense changes on protein structure and function (SIFT, PolyPhen-2) suggest that this variant is likely to be disruptive, but these predictions have not been confirmed by published functional studies. Another variant that disrupts this residue has been reported to ClinVar as Likely pathogenic in an affected individual (Variation ID: 451862), suggesting that it is a clinically significant residue. As a result, variants that disrupt this residue are likely to be causative of disease (also predicted by Mutation Taster). For these reasons, we have classified this variant as Likely pathogenic, according to the following ACMG criteria: PM1, PM2, PM5, PM6, PP2 and PP3.